The following is an entry in ClinVar:

ClinVar aggregate classification (germline): Uncertain significance (1 of 4 stars; one submission).

Allele frequency attached by ClinVar (database versions not stated): gnomAD exomes 0.00001; TOPMed 0.00001.
gnomAD v4.1: 9 of 1,211,575 alleles (0.00074%); highest among the groups gnomAD compares: South Asian, 0.0018%; no homozygotes.

Submission:

Labcorp Genetics (formerly Invitae), Labcorp
Classification: Uncertain significance. Last evaluated: 2023-12-17. Review status: criteria provided, single submitter. Criteria: Invitae Variant Classification Sherloc (09022015). Collection method: clinical testing. Allele origin: germline.
Comment: This sequence change replaces serine, which is neutral and polar, with leucine, which is neutral and non-polar, at codon 492 of the RBM10 protein (p.Ser492Leu). This variant is not present in population databases (gnomAD no frequency). This variant has not been reported in the literature in individuals affected with RBM10-related conditions. An algorithm developed to predict the effect of missense changes on protein structure and function (PolyPhen-2) suggests that this variant is likely to be tolerated. In summary, the available evidence is currently insufficient to determine the role of this variant in disease. Therefore, it has been classified as a Variant of Uncertain Significance.

NM_005676.5(RBM10):c.1475C>T (p.Ser492Leu)

Gene: RBM10 (RNA binding motif protein 10; plus strand). Cytogenetic location: Xp11.3.
Variant type: single nucleotide variant.
Coding change: c.1475C>T on transcript NM_005676.5 (MANE Select); coding-DNA position 1475, C replaced by T.
Protein change: p.Ser492Leu; replaces serine 492 with leucine.
Molecular consequence: missense variant.
Genome position (GRCh38, 1-based): chrX:47,181,546, C>T. VCF-style: chrX-47181546-C-T. GRCh37 (hg19) VCF-style: chrX-47040945-C-T.
Other names: c.1241C>T, p.Ser414Leu (NM_152856.3); c.1244C>T, p.Ser415Leu (NM_001204466.2); c.1472C>T, p.Ser491Leu (NM_001204467.2); c.1670C>T, p.Ser557Leu (NM_001204468.2); short protein forms S491L, S415L, S414L, S492L, S557L.
Identifiers: ClinVar variation 2881401 (VCV002881401.3), dbSNP rs1447493714, ClinGen allele CA412801984.